The following is an entry in ClinVar:

ClinVar aggregate classification (germline): Uncertain significance. Review status: criteria provided, multiple submitters, no conflicts (2 of 4 stars). 3 submissions from 3 submitters: Uncertain significance (3). Last evaluated 2025-08-21.

Conditions:
Neurodegeneration with brain iron accumulation 6 (NBIA6). Also called: COASY protein-associated neurodegeneration. Identifiers: Orphanet 397725, MedGen C4517377, MONDO:0014290, OMIM 615643.

Allele frequency attached by ClinVar (database versions not stated): gnomAD 0.00001 and 0.00003; gnomAD exomes 0.00001; ExAC 0.00002; ESP Exome Variant Server 0.00008.
gnomAD v4.1: 63 of 1,614,076 alleles (0.0039%); highest among the groups gnomAD compares: South Asian, 0.0066%; no homozygotes.

Submissions (3):

Ambry Genetics
Classification: Uncertain significance. Last evaluated: 2025-08-21. Review status: criteria provided, single submitter. Criteria: Ambry Variant Classification Scheme 2023. Collection method: clinical testing. Allele origin: germline.

GeneDx
Classification: Uncertain significance. Last evaluated: 2024-11-12. Review status: criteria provided, single submitter. Criteria: GeneDx Variant Classification Process June 2021. Collection method: clinical testing. Allele origin: germline. Affected: yes.
Comment: Not observed at significant frequency in large population cohorts (gnomAD); In silico analysis supports that this missense variant has a deleterious effect on protein structure/function; Has not been previously published as pathogenic or benign to our knowledge

Labcorp Genetics (formerly Invitae), Labcorp
Classification: Uncertain significance for Neurodegeneration with brain iron accumulation 6. Last evaluated: 2022-08-22. Review status: criteria provided, single submitter. Criteria: Invitae Variant Classification Sherloc (09022015). Collection method: clinical testing. Allele origin: germline.
Comment: This sequence change replaces glycine, which is neutral and non-polar, with serine, which is neutral and polar, at codon 478 of the COASY protein (p.Gly478Ser). This variant is present in population databases (rs374725383, gnomAD 0.003%). This variant has not been reported in the literature in individuals affected with COASY-related conditions. ClinVar contains an entry for this variant (Variation ID: 1481399). Algorithms developed to predict the effect of missense changes on protein structure and function are either unavailable or do not agree on the potential impact of this missense change (SIFT: "Deleterious"; PolyPhen-2: "Probably Damaging"; Align-GVGD: "Class C0"). In summary, the available evidence is currently insufficient to determine the role of this variant in disease. Therefore, it has been classified as a Variant of Uncertain Significance.

NM_025233.7(COASY):c.1432G>A (p.Gly478Ser)

Gene: COASY (Coenzyme A synthase; plus strand). Cytogenetic location: 17q21.2.
Variant type: single nucleotide variant.
Coding change: c.1432G>A on transcript NM_025233.7 (MANE Select); coding-DNA position 1432, G replaced by A.
Protein change: p.Gly478Ser; replaces glycine 478 with serine.
Molecular consequence: missense variant.
Genome position (GRCh38, 1-based): chr17:42,565,515, G>A. VCF-style: chr17-42565515-G-A. GRCh37 (hg19) VCF-style: chr17-40717533-G-A.
Other names: c.1432G>A (NM_025233.6); c.1432G>A, p.Gly478Ser (NM_001042529.3); c.1519G>A, p.Gly507Ser (NM_001042532.4); c.1519G>A (NM_001042532.2); short protein forms G507S, G478S.
Identifiers: ClinVar variation 1481399 (VCV001481399.6), dbSNP rs374725383, ClinGen allele CA8578338.